The following is an entry in ClinVar:

ClinVar aggregate classification (germline): Conflicting classifications of pathogenicity. Review status: criteria provided, conflicting classifications (1 of 4 stars). 4 submissions from 4 submitters: Uncertain significance (2); Likely benign (1). 1 of the submissions does not count toward it. Last evaluated 2025-11-24.

Conditions:
SOS1-related disorder. Also called: SOS1-related condition.
RASopathy. Also called: Noonan spectrum disorder; rasopathies. Identifiers: Orphanet 536391, MedGen C5555857, MONDO:0021060.
Cardiovascular phenotype. Identifiers: MedGen CN230736.

Allele frequency attached by ClinVar (database versions not stated): gnomAD exomes below 0.00001; gnomAD 0.00002; TOPMed 0.00008.
gnomAD v4.1: 14 of 1,590,442 alleles (0.00088%); highest among the groups gnomAD compares: African/African-American, 0.0054%; no homozygotes.

Submissions (4):

Labcorp Genetics (formerly Invitae), Labcorp
Classification: Uncertain significance for RASopathy. Last evaluated: 2025-11-24. Review status: criteria provided, single submitter. Criteria: Invitae Variant Classification Sherloc (09022015). Collection method: clinical testing. Allele origin: germline.
Comment: This sequence change falls in intron 9 of the SOS1 gene. It does not directly change the encoded amino acid sequence of the SOS1 protein. It affects a nucleotide within the consensus splice site. This variant is present in population databases (no rsID available, gnomAD 0.005%). This variant has not been reported in the literature in individuals affected with SOS1-related conditions. ClinVar contains an entry for this variant (Variation ID: 378633). Variants that disrupt the consensus splice site are a relatively common cause of aberrant splicing (PMID: 17576681, 9536098). Algorithms developed to predict the effect of sequence changes on RNA splicing suggest that this variant is not likely to affect RNA splicing. In summary, the available evidence is currently insufficient to determine the role of this variant in disease. Therefore, it has been classified as a Variant of Uncertain Significance.

Ambry Genetics
Classification: Uncertain significance for Cardiovascular phenotype. Last evaluated: 2025-11-03. Review status: criteria provided, single submitter. Criteria: Ambry Variant Classification Scheme 2023. Collection method: clinical testing. Allele origin: germline.
Comment: The c.1202+5A>G intronic variant results from an A to G substitution 5 nucleotides after coding exon 9 in the SOS1 gene. This nucleotide position is well conserved in available vertebrate species. In silico splice site analysis predicts that this alteration will not have any significant effect on splicing. Based on the available evidence, the clinical significance of this variant remains unclear.

GeneDx
Classification: Likely benign. Last evaluated: 2020-06-17. Review status: criteria provided, single submitter. Criteria: GeneDx Variant Classification Process June 2021. Collection method: clinical testing. Allele origin: germline. Affected: yes.

PreventionGenetics, part of Exact Sciences
Classification: Likely benign for SOS1-related condition. Last evaluated: 2020-12-21. Review status: no assertion criteria provided. Collection method: clinical testing. Allele origin: germline. Not counted in ClinVar's aggregate classification.
Comment: This variant is classified as likely benign based on ACMG/AMP sequence variant interpretation guidelines (Richards et al. 2015 PMID: 25741868, with internal and published modifications).

Literature cited by the submitters: PubMed 17576681 (cited by Labcorp Genetics (formerly Invitae), Labcorp); PubMed 9536098 (cited by Labcorp Genetics (formerly Invitae), Labcorp).

NM_005633.4(SOS1):c.1202+5A>G

Gene: SOS1 (SOS Ras/Rac guanine nucleotide exchange factor 1; minus strand). Cytogenetic location: 2p22.1.
Variant type: single nucleotide variant.
Coding change: c.1202+5A>G on transcript NM_005633.4 (MANE Select); 5 bases into the intron after coding-DNA position 1202, A replaced by G.
Molecular consequence: intron variant.
Genome position (GRCh38, 1-based): chr2:39,024,005, T>C on the plus strand (A>G on the coding strand, the complement: SOS1 is on the minus strand). VCF-style: chr2-39024005-T-C. GRCh37 (hg19) VCF-style: chr2-39251146-T-C.
Other names: c.1181+5A>G (NM_001382394.1); c.1202+5A>G (NM_001382395.1).
Identifiers: ClinVar variation 378633 (VCV000378633.17), dbSNP rs1021449471, ClinGen allele CA16604133.